The following is an entry in ClinVar:

ClinVar aggregate classification (germline): Uncertain significance (1 of 4 stars; one submission).

Conditions:
Colorectal cancer, hereditary nonpolyposis, type 7. Identifiers: Orphanet 144, MedGen C1858380, MONDO:0013725, OMIM 614385.

Submission:

Labcorp Genetics (formerly Invitae), Labcorp
Classification: Uncertain significance for Colorectal cancer, hereditary nonpolyposis, type 7. Last evaluated: 2024-11-03. Review status: criteria provided, single submitter. Criteria: Invitae Variant Classification Sherloc (09022015). Collection method: clinical testing. Allele origin: germline.
Comment: This sequence change replaces glutamine, which is neutral and polar, with histidine, which is basic and polar, at codon 668 of the MLH3 protein (p.Gln668His). This variant is not present in population databases (gnomAD no frequency). This variant has not been reported in the literature in individuals affected with MLH3-related conditions. An algorithm developed to predict the effect of missense changes on protein structure and function outputs the following: PolyPhen-2: "Benign". The histidine amino acid residue is found in multiple mammalian species, which suggests that this missense change does not adversely affect protein function. In summary, the available evidence is currently insufficient to determine the role of this variant in disease. Therefore, it has been classified as a Variant of Uncertain Significance.

NM_001040108.2(MLH3):c.2004A>C (p.Gln668His)

Gene: MLH3 (mutL homolog 3; minus strand). Cytogenetic location: 14q24.3.
Variant type: single nucleotide variant.
Coding change: c.2004A>C on transcript NM_001040108.2 (MANE Select); coding-DNA position 2004, A replaced by C.
Protein change: p.Gln668His; replaces glutamine 668 with histidine.
Molecular consequence: missense variant.
Genome position (GRCh38, 1-based): chr14:75,047,652, T>G on the plus strand (A>C on the coding strand, the complement: MLH3 is on the minus strand). VCF-style: chr14-75047652-T-G. GRCh37 (hg19) VCF-style: chr14-75514355-T-G.
Other names: c.2004A>C, p.Gln668His (NM_014381.3); short protein forms Q668H.
Identifiers: ClinVar variation 3724499 (VCV003724499.2).